The following is an entry in ClinVar:

ClinVar aggregate classification (germline): Pathogenic. Review status: criteria provided, multiple submitters, no conflicts (2 of 4 stars). 6 submissions from 6 submitters: Pathogenic (3). 3 of the submissions do not count toward it. Last evaluated 2026-01-16.

Conditions:
MPZ-related disorder. Also called: MPZ-related condition; MPZ-related disorders.
Dejerine-Sottas disease. Also called: DEJERINE-SOTTAS NEUROPATHY; HEREDITARY MOTOR AND SENSORY NEUROPATHY TYPE III; Hereditary motor and sensory neuropathy 3; HMSN Type III; Charcot-Marie-Tooth disease type 3. Identifiers: Orphanet 64748, MedGen C0011195, MONDO:0007790, OMIM 145900.
Charcot-Marie-Tooth disease, type I (CMT1). Also called: Charcot-Marie-Tooth, Type 1; Charcot-Marie-Tooth disease type 1. Identifiers: Orphanet 65753, MedGen C0751036, MONDO:0019011.
Charcot-Marie-Tooth disease type 4E (CHN1). Also called: Congenital Hypomyelination; HYPOMYELINATION, SEVERE CONGENITAL; CHARCOT-MARIE-TOOTH DISEASE, DEMYELINATING, TYPE 4E; Hypomyelinating neuropathy, congenital, 1; Congenital hypomyelinating neuropathy 1, autosomal recessive. Identifiers: Orphanet 99951, MedGen C4721436, MONDO:0011527, OMIM 605253.
Roussy-Lévy syndrome. Also called: Roussy-Levy Syndrome; Roussy Levy hereditary areflexic dystasia; Roussy-Levy disease; Hereditary areflexic dystasia. Identifiers: Orphanet 3115, MedGen C0205713, MONDO:0008392, OMIM 180800.
Charcot-Marie-Tooth disease type 1B. Also called: CHARCOT-MARIE-TOOTH DISEASE, AUTOSOMAL DOMINANT, WITH FOCALLY FOLDED MYELIN SHEATHS, TYPE 1B; CHARCOT-MARIE-TOOTH DISEASE, SLOW NERVE CONDUCTION TYPE, LINKED TO DUFFY; CHARCOT-MARIE-TOOTH NEUROPATHY, TYPE 1B; HEREDITARY MOTOR AND SENSORY NEUROPATHY I; HEREDITARY MOTOR AND SENSORY NEUROPATHY IB; Charcot-Marie-Tooth disease, type IB. Identifiers: Orphanet 101082, MedGen C0270912, MONDO:0007307, OMIM 118200.
Charcot-Marie-Tooth disease type 2I (CMT2I). Also called: CHARCOT-MARIE-TOOTH DISEASE, AXONAL, TYPE 2I. Identifiers: Orphanet 99942, MedGen C3888087, MONDO:0011889, OMIM 607677.
Charcot-Marie-Tooth disease type 2J (CMT2J). Also called: CHARCOT-MARIE-TOOTH DISEASE, TYPE 2, WITH HEARING LOSS AND PUPILLARY ABNORMALITIES; CHARCOT-MARIE-TOOTH NEUROPATHY, TYPE 2J; CHARCOT-MARIE-TOOTH DISEASE, AXONAL, TYPE 2J. Identifiers: Orphanet 99943, MedGen C1843153, MONDO:0011903, OMIM 607736.
Charcot-Marie-Tooth disease dominant intermediate D. Also called: CHARCOT-MARIE-TOOTH NEUROPATHY, DOMINANT INTERMEDIATE D; Charcot-Marie-Tooth disease dominant intermediate 3; CMT DI3. Identifiers: Orphanet 100046, MedGen C1843075, MONDO:0011909, OMIM 607791.
DEJERINE-SOTTAS SYNDROME, AUTOSOMAL DOMINANT. Identifiers: MedGen C4016264.

Submissions (6):

3billion
Classification: Pathogenic for MPZ-related disorder. Last evaluated: 2026-01-16. Review status: criteria provided, single submitter. Criteria: ACMG Guidelines, 2015. Collection method: clinical testing. Allele origin: germline. Affected: yes.
Comment: The variant is not observed in the gnomAD v4.1.0 dataset. Predicted Consequence/Location: Missense variant In silico tool predictions suggest damaging effect of the variant on gene or gene product [REVEL: 0.72 (>=0.6, sensitivity 0.68 and specificity 0.92); 3Cnet: 0.99 (> 0.75, sensitivity 0.96 and precision 0.92)]. The same nucleotide change resulting in the same amino acid change has been previously reported as pathogenic/likely pathogenic with strong evidence (ClinVar ID: VCV000014170 /PMID: 7506095). The variant has been previously reported as de novo in a similarly affected individual (PMID: 25326637). Therefore, this variant is classified as Pathogenic according to the recommendation of ACMG/AMP guideline.

Labcorp Genetics (formerly Invitae), Labcorp
Classification: Pathogenic for Charcot-Marie-Tooth disease, type I. Last evaluated: 2020-12-19. Review status: criteria provided, single submitter. Criteria: Invitae Variant Classification Sherloc (09022015). Collection method: clinical testing. Allele origin: germline.
Comment: This sequence change replaces glycine with arginine at codon 167 of the MPZ protein (p.Gly167Arg). The glycine residue is highly conserved and there is a moderate physicochemical difference between glycine and arginine. For these reasons, this variant has been classified as Pathogenic. Experimental studies have shown that this variant affects MPZ protein function (PMID: 29687021). This missense change has been observed in individual(s) with Dejerine-Sottas disease (PMID: 7506095, 10399750, 12242557). In at least one individual the variant was observed to be de novo. ClinVar contains an entry for this variant (Variation ID: 14170). This variant is also known as p.Gly138Arg in the literature. This variant is not present in population databases (ExAC no frequency).

UCLA Clinical Genomics Center, UCLA
Classification: Pathogenic for Charcot-Marie-Tooth disease dominant intermediate 3; Charcot-Marie-Tooth disease, type IB; Charcot-Marie-Tooth disease type 2I; Charcot-Marie-Tooth disease type 2J; Dejerine-Sottas disease; Congenital hypomyelinating neuropathy; Roussy-Lévy syndrome. Last evaluated: 2014-03-11. Review status: criteria provided, single submitter. Criteria: Lee et al. (JAMA. 2014). Collection method: clinical testing. Allele origin: de novo. Inheritance: Autosomal dominant inheritance. Affected: yes. Study: CES.

GeneReviews
Classification: Pathogenic for Charcot-Marie-Tooth Neuropathy Type 1. Last evaluated: 2012-10-18. Review status: no assertion criteria provided. Collection method: curation. Allele origin: unknown. Not counted in ClinVar's aggregate classification.
ClinVar note: Converted during submission from pathologic to Pathogenic.

OMIM
Classification: Pathogenic for DEJERINE-SOTTAS SYNDROME, AUTOSOMAL DOMINANT. Last evaluated: 1993-11-01. Review status: no assertion criteria provided. Collection method: literature only. Allele origin: germline. Not counted in ClinVar's aggregate classification.

Inherited Neuropathy Consortium
Classification: Uncertain significance for Dejerine-Sottas disease. Review status: no assertion criteria provided. Collection method: literature only. Allele origin: germline. Affected: yes. Not counted in ClinVar's aggregate classification.

Literature cited by the submitters: PubMed 7506095 (cited by 4 submitters); PubMed 29687021 (cited by Labcorp Genetics (formerly Invitae), Labcorp); PubMed 10399750 (cited by Labcorp Genetics (formerly Invitae), Labcorp); PubMed 12242557 (cited by Labcorp Genetics (formerly Invitae), Labcorp); PubMed 3467805 (cited by OMIM).

NM_000530.8(MPZ):c.499G>C (p.Gly167Arg)

Gene: MPZ (myelin protein zero; minus strand). Cytogenetic location: 1q23.3.
Variant type: single nucleotide variant.
Coding change: c.499G>C on transcript NM_000530.8 (MANE Select); coding-DNA position 499, G replaced by C.
Protein change: p.Gly167Arg; replaces glycine 167 with arginine.
Molecular consequence: missense variant.
Genome position (GRCh38, 1-based): chr1:161,306,414, C>G on the plus strand (G>C on the coding strand, the complement: MPZ is on the minus strand). VCF-style: chr1-161306414-C-G. GRCh37 (hg19) VCF-style: chr1-161276204-C-G.
Other names: c.499G>C, p.Gly167Arg (LRG_256t1, NM_001315491.2); short protein forms G167R.
Identifiers: ClinVar variation 14170 (VCV000014170.15), dbSNP rs121913586, ClinGen allele CA123798.